The following is an entry in ClinVar:

NM_016013.4(NDUFAF1):c.362C>G (p.Ala121Gly)

Gene: NDUFAF1 (NADH:ubiquinone oxidoreductase complex assembly factor 1; minus strand). Cytogenetic location: 15q15.1.
Variant type: single nucleotide variant.
Coding change: c.362C>G on transcript NM_016013.4 (MANE Select); coding-DNA position 362, C replaced by G.
Protein change: p.Ala121Gly; replaces alanine 121 with glycine.
Molecular consequence: missense variant. On other transcripts: non-coding transcript variant (1).
Genome position (GRCh38, 1-based): chr15:41,396,698, G>C on the plus strand (C>G on the coding strand, the complement: NDUFAF1 is on the minus strand). VCF-style: chr15-41396698-G-C. GRCh37 (hg19) VCF-style: chr15-41688896-G-C.
Other names: c.362C>G (NM_016013.2); short protein forms A121G.
Identifiers: ClinVar variation 1936685 (VCV001936685.6), dbSNP rs201292698, ClinGen allele CA7491353.

ClinVar aggregate classification (germline): Uncertain significance. Review status: criteria provided, multiple submitters, no conflicts (2 of 4 stars). 2 submissions from 2 submitters: Uncertain significance (2). Last evaluated 2023-11-17.

Allele frequency attached by ClinVar (database versions not stated): gnomAD 0.00001; TOPMed 0.00002; ExAC 0.00004; 1000 Genomes Project 0.00020; 1000 Genomes Project 30x 0.00031.
gnomAD v4.1: 12 of 1,614,100 alleles (0.00074%); highest among the groups gnomAD compares: East Asian, 0.027%; no homozygotes.

Submissions (2):

Ambry Genetics
Classification: Uncertain significance. Last evaluated: 2023-11-17. Review status: criteria provided, single submitter. Criteria: Ambry Variant Classification Scheme 2023. Collection method: clinical testing. Allele origin: germline.

Labcorp Genetics (formerly Invitae), Labcorp
Classification: Uncertain significance. Last evaluated: 2022-06-04. Review status: criteria provided, single submitter. Criteria: Invitae Variant Classification Sherloc (09022015). Collection method: clinical testing. Allele origin: germline.
Comment: In summary, the available evidence is currently insufficient to determine the role of this variant in disease. Therefore, it has been classified as a Variant of Uncertain Significance. This sequence change replaces alanine, which is neutral and non-polar, with glycine, which is neutral and non-polar, at codon 121 of the NDUFAF1 protein (p.Ala121Gly). This variant is present in population databases (rs201292698, gnomAD 0.04%). This variant has not been reported in the literature in individuals affected with NDUFAF1-related conditions. Algorithms developed to predict the effect of missense changes on protein structure and function (SIFT, PolyPhen-2, Align-GVGD) all suggest that this variant is likely to be tolerated.